The following is an entry in ClinVar:

ClinVar aggregate classification (germline): Uncertain significance. Review status: criteria provided, multiple submitters, no conflicts (2 of 4 stars). 2 submissions from 2 submitters: Uncertain significance (2). Last evaluated 2025-04-10.

Conditions:
Inborn genetic diseases. Identifiers: MedGen C0950123, MeSH D030342.

Allele frequency attached by ClinVar (database versions not stated): ExAC 0.00001; gnomAD 0.00002; gnomAD exomes 0.00002.
gnomAD v4.1: 28 of 1,613,866 alleles (0.0017%); highest among the groups gnomAD compares: Non-Finnish European, 0.0023%; no homozygotes.

Submissions (2):

Labcorp Genetics (formerly Invitae), Labcorp
Classification: Uncertain significance. Last evaluated: 2025-04-10. Review status: criteria provided, single submitter. Criteria: Invitae Variant Classification Sherloc (09022015). Collection method: clinical testing. Allele origin: germline.
Comment: This sequence change replaces serine, which is neutral and polar, with threonine, which is neutral and polar, at codon 239 of the DVL1 protein (p.Ser239Thr). This variant is present in population databases (rs752745458, gnomAD 0.002%). This variant has not been reported in the literature in individuals affected with DVL1-related conditions. ClinVar contains an entry for this variant (Variation ID: 2524812). Invitae Evidence Modeling of protein sequence and biophysical properties (such as structural, functional, and spatial information, amino acid conservation, physicochemical variation, residue mobility, and thermodynamic stability) indicates that this missense variant is not expected to disrupt DVL1 protein function with a negative predictive value of 80%. In summary, the available evidence is currently insufficient to determine the role of this variant in disease. Therefore, it has been classified as a Variant of Uncertain Significance.

Ambry Genetics
Classification: Uncertain significance for Inborn genetic diseases. Last evaluated: 2023-06-06. Review status: criteria provided, single submitter. Criteria: Ambry Variant Classification Scheme 2023. Collection method: clinical testing. Allele origin: germline.

NM_001330311.2(DVL1):c.716G>C (p.Ser239Thr)

Gene: DVL1 (dishevelled segment polarity protein 1; minus strand). Cytogenetic location: 1p36.33.
Variant type: single nucleotide variant.
Coding change: c.716G>C on transcript NM_001330311.2 (MANE Select); coding-DNA position 716, G replaced by C.
Protein change: p.Ser239Thr; replaces serine 239 with threonine.
Molecular consequence: missense variant.
Genome position (GRCh38, 1-based): chr1:1,340,300, C>G on the plus strand (G>C on the coding strand, the complement: DVL1 is on the minus strand). VCF-style: chr1-1340300-C-G. GRCh37 (hg19) VCF-style: chr1-1275680-C-G.
Other names: c.716G>C, p.Ser239Thr (NM_004421.3); short protein forms S239T.
Identifiers: ClinVar variation 2524812 (VCV002524812.3), dbSNP rs752745458, ClinGen allele CA520466.